The following is an entry in ClinVar:

ClinVar aggregate classification (germline): Conflicting classifications of pathogenicity. Review status: criteria provided, conflicting classifications (1 of 4 stars). 2 submissions from 2 submitters: Uncertain significance (1); Likely benign (1). Last evaluated 2024-11-19.

Allele frequency attached by ClinVar (database versions not stated): gnomAD exomes 0.00003 and 0.00010; ExAC 0.00010; gnomAD 0.00012 and 0.00013; TOPMed 0.00013; ESP Exome Variant Server 0.00015; 1000 Genomes Project 30x 0.00016; 1000 Genomes Project 0.00020.
gnomAD v4.1: 65 of 1,614,134 alleles (0.004%); highest among the groups gnomAD compares: African/African-American, 0.04%; 1 homozygote.

Submissions (2):

Labcorp Genetics (formerly Invitae), Labcorp
Classification: Uncertain significance. Last evaluated: 2024-11-19. Review status: criteria provided, single submitter. Criteria: Invitae Variant Classification Sherloc (09022015). Collection method: clinical testing. Allele origin: germline.
Comment: This sequence change replaces alanine, which is neutral and non-polar, with threonine, which is neutral and polar, at codon 266 of the SLC1A3 protein (p.Ala266Thr). This variant is present in population databases (rs146929198, gnomAD 0.05%), and has an allele count higher than expected for a pathogenic variant. This variant has not been reported in the literature in individuals affected with SLC1A3-related conditions. ClinVar contains an entry for this variant (Variation ID: 994972). Invitae Evidence Modeling of protein sequence and biophysical properties (such as structural, functional, and spatial information, amino acid conservation, physicochemical variation, residue mobility, and thermodynamic stability) indicates that this missense variant is not expected to disrupt SLC1A3 protein function with a negative predictive value of 80%. In summary, the available evidence is currently insufficient to determine the role of this variant in disease. Therefore, it has been classified as a Variant of Uncertain Significance.

Athena Diagnostics
Classification: Likely benign. Last evaluated: 2019-12-27. Review status: criteria provided, single submitter. Criteria: Athena Diagnostics Criteria. Collection method: clinical testing. Allele origin: unknown.

NM_004172.5(SLC1A3):c.796G>A (p.Ala266Thr)

Genes: SLC1A3 (solute carrier family 1 member 3; plus strand), SLC1A3-AS1 (SLC1A3 antisense RNA 1; minus strand). Cytogenetic location: 5p13.2.
Variant type: single nucleotide variant.
Coding change: c.796G>A on transcript NM_004172.5 (MANE Select); coding-DNA position 796, G replaced by A.
Protein change: p.Ala266Thr; replaces alanine 266 with threonine.
Molecular consequence: missense variant. On other transcripts: intron variant (1).
Genome position (GRCh38, 1-based): chr5:36,677,120, G>A. VCF-style: chr5-36677120-G-A. GRCh37 (hg19) VCF-style: chr5-36677222-G-A.
Other names: c.796G>A, p.Ala266Thr (NM_001166695.3); c.658G>A, p.Ala220Thr (NM_001289939.2); c.525-2507G>A (NM_001289940.2); short protein forms A220T, A266T.
Identifiers: ClinVar variation 994972 (VCV000994972.6), dbSNP rs146929198, ClinGen allele CA3235539.